The following is an entry in ClinVar:

ClinVar aggregate classification (germline): Conflicting classifications of pathogenicity. Review status: criteria provided, conflicting classifications (1 of 4 stars). 3 submissions from 3 submitters: Likely pathogenic (1); Uncertain significance (2). Last evaluated 2022-11-03.

Conditions:
Hereditary cancer-predisposing syndrome. Also called: Hereditary neoplastic syndrome; Tumor predisposition; Neoplastic Syndromes, Hereditary; Hereditary Cancer Syndrome. Identifiers: Orphanet 140162, MedGen C0027672, MeSH D009386, MONDO:0015356.
Peutz-Jeghers syndrome (PJS). Also called: Peutz-Jeghers polyposis; Periorificial lentiginosis syndrome; POLYPOSIS, HAMARTOMATOUS INTESTINAL; POLYPS-AND-SPOTS SYNDROME. Identifiers: Orphanet 2869, MedGen C0031269, MeSH D010580, MONDO:0008280, OMIM 175200.

Submissions (3):

Labcorp Genetics (formerly Invitae), Labcorp
Classification: Uncertain significance for Peutz-Jeghers syndrome. Last evaluated: 2022-11-03. Review status: criteria provided, single submitter. Criteria: Invitae Variant Classification Sherloc (09022015). Collection method: clinical testing. Allele origin: germline.
Comment: In summary, the available evidence is currently insufficient to determine the role of this variant in disease. Therefore, it has been classified as a Variant of Uncertain Significance. Experimental studies and prediction algorithms are not available or were not evaluated, and the functional significance of this variant is currently unknown. ClinVar contains an entry for this variant (Variation ID: 428751). This variant is also known as 153del3. This variant has been observed in individual(s) with Peutz-Jeghers syndrome (PMID: 11389158). This variant is not present in population databases (gnomAD no frequency). This variant, c.155_157del, results in the deletion of 1 amino acid(s) of the STK11 protein (p.Gly52del), but otherwise preserves the integrity of the reading frame.

Genome-Nilou Lab
Classification: Uncertain significance for Peutz-Jeghers syndrome. Last evaluated: 2021-07-15. Review status: criteria provided, single submitter. Criteria: ACMG Guidelines, 2015. Collection method: clinical testing. Allele origin: germline. Affected: no.

Ambry Genetics
Classification: Likely pathogenic for Hereditary cancer-predisposing syndrome. Last evaluated: 2015-09-24. Review status: criteria provided, single submitter. Criteria: Ambry Variant Classification Scheme 2023. Collection method: clinical testing. Allele origin: germline.
Comment: The c.155_157delGGG variant (also known as p.G52del) is located in coding exon 1 of the STK11 gene. This variant results from an in-frame deletion of 3 nucleotides at positions 155 to 157, causing the removal of a highly conserved glycine residue at codon 52. This alteration, referred to as 153del3, was previously identified in one individual with a clinical diagnosis of Peutz-Jeghers syndrome (PJS), who was found to have perioral hyperpigmentation as well as hamartomatous lesions in the stomach, duodenum, and colon (Olschwang S et al. J. Med. Genet. 2001 Jun; 38(6):356-60). Based on protein sequence alignment, this amino acid position is highly conserved in available vertebrate species. Based on the majority of available evidence to date, this variant is likely to be pathogenic.

Literature cited by the submitters: PubMed 11389158 (cited by Labcorp Genetics (formerly Invitae), Labcorp and Ambry Genetics).

NM_000455.5(STK11):c.155_157del (p.Gly52del)

Gene: STK11 (serine/threonine kinase 11; plus strand). Cytogenetic location: 19p13.3.
Variant type: Deletion.
Coding change: c.155_157del on transcript NM_000455.5 (MANE Select); coding-DNA positions 155 to 157, 3 bases deleted (GGG; older notation c.155_157delGGG).
Protein change: p.Gly52del; deletes glycine 52.
Molecular consequence: inframe deletion.
Genome position (GRCh38, 1-based): chr19:1,207,068-1,207,070, GGG deleted; deleting any 3 consecutive bases within chr19:1,207,066-1,207,070 gives the same sequence; the c. name uses the placement nearest the transcript's 3' end. VCF-style (leftmost placement, unchanged base first): chr19-1207065-TGGG-T. GRCh37 (hg19) VCF-style: chr19-1207064-TGGG-T.
Other names: c.155_157delGGG (NM_000455.4); short protein forms G52del.
Identifiers: ClinVar variation 428751 (VCV000428751.15), dbSNP rs1131690917, ClinGen allele CA645369776.